The following is an entry in ClinVar:

ClinVar aggregate classification (germline): Uncertain significance (1 of 4 stars; one submission).

Conditions:
Deficiency of aromatic-L-amino-acid decarboxylase. Also called: Aromatic L-Amino Acid Decarboxylase Deficiency; AADC DEFICIENCY; DDC DEFICIENCY; DOPA DECARBOXYLASE DEFICIENCY; Aromatic amino acid decarboxylase deficiency. Identifiers: Orphanet 35708, MedGen C1291564, MONDO:0012084, OMIM 608643.

Submission:

Labcorp Genetics (formerly Invitae), Labcorp
Classification: Uncertain significance for Deficiency of aromatic-L-amino-acid decarboxylase. Last evaluated: 2023-10-03. Review status: criteria provided, single submitter. Criteria: Invitae Variant Classification Sherloc (09022015). Collection method: clinical testing. Allele origin: germline.
Comment: This sequence change replaces alanine, which is neutral and non-polar, with aspartic acid, which is acidic and polar, at codon 137 of the DDC protein (p.Ala137Asp). This variant is not present in population databases (gnomAD no frequency). This variant has not been reported in the literature in individuals affected with DDC-related conditions. ClinVar contains an entry for this variant (Variation ID: 1489200). Algorithms developed to predict the effect of missense changes on protein structure and function output the following: SIFT: "Not Available"; PolyPhen-2: "Benign"; Align-GVGD: "Not Available". The aspartic acid amino acid residue is found in multiple mammalian species, which suggests that this missense change does not adversely affect protein function. In summary, the available evidence is currently insufficient to determine the role of this variant in disease. Therefore, it has been classified as a Variant of Uncertain Significance.

NM_001082971.2(DDC):c.410C>A (p.Ala137Asp)

Genes: DDC (dopa decarboxylase; minus strand), DDC-AS1 (DDC antisense RNA 1; plus strand). Cytogenetic location: 7p12.1.
Variant type: single nucleotide variant.
Coding change: c.410C>A on transcript NM_001082971.2 (MANE Select); coding-DNA position 410, C replaced by A.
Protein change: p.Ala137Asp; replaces alanine 137 with aspartic acid.
Molecular consequence: missense variant. On other transcripts: intron variant (1).
Genome position (GRCh38, 1-based): chr7:50,537,885, G>T on the plus strand (C>A on the coding strand, the complement: DDC is on the minus strand). VCF-style: chr7-50537885-G-T. GRCh37 (hg19) VCF-style: chr7-50605583-G-T.
Other names: c.410C>A, p.Ala137Asp (NM_000790.4, NM_001242887.2, NM_001242889.2 and 1 more transcripts); c.296C>A, p.Ala99Asp (NM_001242886.2); c.201+6000C>A (NM_001242888.2); short protein forms A137D, A99D.
Identifiers: ClinVar variation 1489200 (VCV001489200.8), dbSNP rs2153548496, ClinGen allele CA367527854.